The following is an entry in ClinVar:

NM_000256.3(MYBPC3):c.-5T>C

Gene: MYBPC3 (myosin binding protein C3; minus strand). Cytogenetic location: 11p11.2.
Variant type: single nucleotide variant.
Coding change: c.-5T>C on transcript NM_000256.3 (MANE Select); 5 bases upstream of the start codon, T replaced by C.
Genome position (GRCh38, 1-based): chr11:47,352,652, A>G on the plus strand (T>C on the coding strand, the complement: MYBPC3 is on the minus strand). VCF-style: chr11-47352652-A-G. GRCh37 (hg19) VCF-style: chr11-47374203-A-G.
Other names: c.-5T>C (LRG_386t1).
Identifiers: ClinVar variation 506638 (VCV000506638.3), dbSNP rs886048383, ClinGen allele CA658797649.
Genomic context (GRCh38, chr11:47,352,652, plus strand): 5'-CACTTAGACCCAACCCCAGTCCTAAAGCTACCTGGCTTCTTCCCCGGCTCAGGCATCCTG[A>G]GAGACGTCACACCAGGCACGAAGCAGGCACAGGTCACCCAAAGAGGGACTGAGTGGGGTC-3'

ClinVar aggregate classification (germline): Conflicting classifications of pathogenicity. Review status: criteria provided, conflicting classifications (1 of 4 stars). 2 submissions from 2 submitters: Uncertain significance (1); Likely benign (1). Last evaluated 2021-09-01.

Conditions:
Cardiovascular phenotype. Identifiers: MedGen CN230736.

Allele frequency attached by ClinVar (database versions not stated): TOPMed 0.00001.

Submissions (2):

Ambry Genetics
Classification: Uncertain significance for Cardiovascular phenotype. Last evaluated: 2021-09-01. Review status: criteria provided, single submitter. Criteria: Ambry Variant Classification Scheme 2023. Collection method: clinical testing. Allele origin: germline.
Comment: The c.-5T>C variant is located in the 5' untranslated region (5&rsquo; UTR) of the MYBPC3 gene. This variant results from a T to C substitution 5 nucleotides upstream from the first translated codon. Based on nucleotide sequence alignment, this position is well conserved in available vertebrate species. Since supporting evidence is limited at this time, the clinical significance of this alteration remains unclear.

GeneDx
Classification: Likely benign. Last evaluated: 2017-07-21. Review status: criteria provided, single submitter. Criteria: GeneDx Variant Classification (06012015). Collection method: clinical testing. Allele origin: germline. Affected: yes.
Comment: This variant is considered likely benign or benign based on one or more of the following criteria: it is a conservative change, it occurs at a poorly conserved position in the protein, it is predicted to be benign by multiple in silico algorithms, and/or has population frequency not consistent with disease.